The following is an entry in ClinVar:

ClinVar aggregate classification (germline): Conflicting classifications of pathogenicity. Review status: criteria provided, conflicting classifications (1 of 4 stars). 4 submissions from 4 submitters: Uncertain significance (2); Benign (1); Likely benign (1). Last evaluated 2025-11-19.

Conditions:
Kabuki syndrome 1 (KABUK1). Also called: KMT2D-Related Kabuki Syndrome. Identifiers: Orphanet 2322, MedGen CN030661, MONDO:0007843, OMIM 147920.
Choanal atresia-athelia-hypothyroidism-delayed puberty-short stature syndrome (BCAHH). Also called: BRANCHIAL ARCH ABNORMALITIES, CHOANAL ATRESIA, ATHELIA, HEARING LOSS, AND HYPOTHYROIDISM SYNDROME. Identifiers: Orphanet 589856, MedGen C5680310, MONDO:0035651, OMIM 620186.
Kabuki syndrome. Also called: Kabuki make-up syndrome; NIIKAWA-KUROKI SYNDROME. Identifiers: Orphanet 2322, MedGen C0796004, MONDO:0016512.
KMT2D-related disorder. Also called: KMT2D-Related Disorders.

Allele frequency attached by ClinVar (database versions not stated): TOPMed 0.00001; gnomAD 0.00003.
gnomAD v4.1: 31 of 1,612,180 alleles (0.0019%); highest among the groups gnomAD compares: East Asian, 0.0022%; no homozygotes.

Submissions (4):

PreventionGenetics, part of Exact Sciences
Classification: Uncertain significance for KMT2D-related condition. Last evaluated: 2025-11-19. Review status: criteria provided, single submitter. Criteria: ACMG Guidelines, 2015. Collection method: clinical testing. Allele origin: germline.
Comment: The KMT2D c.9305C>T variant is predicted to result in the amino acid substitution p.Pro3102Leu. To our knowledge, this variant has not been reported in the literature. This variant is reported in 0.0052% of alleles in individuals of East Asian descent in gnomAD, which may be too common to be causative. Although we suspect that this variant may be benign, at this time, the clinical significance of this variant is uncertain due to the absence of conclusive functional and genetic evidence.

Labcorp Genetics (formerly Invitae), Labcorp
Classification: Benign for Kabuki syndrome. Last evaluated: 2025-07-02. Review status: criteria provided, single submitter. Criteria: Invitae Variant Classification Sherloc (09022015). Collection method: clinical testing. Allele origin: germline.

Fulgent Genetics
Classification: Uncertain significance for Kabuki syndrome 1; Choanal atresia-athelia-hypothyroidism-delayed puberty-short stature syndrome. Last evaluated: 2024-05-13. Review status: criteria provided, single submitter. Criteria: ACMG Guidelines, 2015. Collection method: clinical testing. Allele origin: germline.

Blueprint Genetics
Classification: Likely benign. Last evaluated: 2022-07-27. Review status: criteria provided, single submitter. Criteria: ACMG Guidelines, 2015. Collection method: clinical testing. Allele origin: germline.

NM_003482.4(KMT2D):c.9305C>T (p.Pro3102Leu)

Gene: KMT2D (lysine methyltransferase 2D; minus strand). Cytogenetic location: 12q13.12.
Variant type: single nucleotide variant.
Coding change: c.9305C>T on transcript NM_003482.4 (MANE Select); coding-DNA position 9305, C replaced by T.
Protein change: p.Pro3102Leu; replaces proline 3102 with leucine.
Molecular consequence: missense variant.
Genome position (GRCh38, 1-based): chr12:49,038,051, G>A on the plus strand (C>T on the coding strand, the complement: KMT2D is on the minus strand). VCF-style: chr12-49038051-G-A. GRCh37 (hg19) VCF-style: chr12-49431834-G-A.
Other names: short protein forms P3102L.
Identifiers: ClinVar variation 2915795 (VCV002915795.6), dbSNP rs970061739, ClinGen allele CA236644806.